The following is an entry in ClinVar:

ClinVar aggregate classification (germline): Uncertain significance. Review status: criteria provided, multiple submitters, no conflicts (2 of 4 stars). 2 submissions from 2 submitters: Uncertain significance (2). Last evaluated 2025-10-09.

Conditions:
Dextro-looped transposition of the great arteries. Also called: Dextrotransposition of the great arteries. Identifiers: Orphanet 860, MedGen C3531771, MONDO:0019443, OMIM 608808, HP:0031348.

Allele frequency attached by ClinVar (database versions not stated): TOPMed below 0.00001; gnomAD 0.00001; gnomAD exomes below 0.00001.
gnomAD v4.1: 2 of 1,613,986 alleles (0.00012%); highest among the groups gnomAD compares: Non-Finnish European, 0.00017%; no homozygotes.

Submissions (2):

GeneDx
Classification: Uncertain significance. Last evaluated: 2025-10-09. Review status: criteria provided, single submitter. Criteria: GeneDx Variant Classification Process June 2021. Collection method: clinical testing. Allele origin: germline.
Comment: Not observed at significant frequency in large population cohorts (gnomAD); In silico analysis suggests that this missense variant does not alter protein structure/function; Has not been previously published as pathogenic or benign to our knowledge

Labcorp Genetics (formerly Invitae), Labcorp
Classification: Uncertain significance for Dextro-looped transposition of the great arteries. Last evaluated: 2023-10-10. Review status: criteria provided, single submitter. Criteria: Invitae Variant Classification Sherloc (09022015). Collection method: clinical testing. Allele origin: germline.
Comment: This sequence change replaces glutamine, which is neutral and polar, with glutamic acid, which is acidic and polar, at codon 942 of the MED13L protein (p.Gln942Glu). This variant is not present in population databases (gnomAD no frequency). This variant has not been reported in the literature in individuals affected with MED13L-related conditions. ClinVar contains an entry for this variant (Variation ID: 1800847). Advanced modeling of protein sequence and biophysical properties (such as structural, functional, and spatial information, amino acid conservation, physicochemical variation, residue mobility, and thermodynamic stability) performed at Invitae indicates that this missense variant is not expected to disrupt MED13L protein function. In summary, the available evidence is currently insufficient to determine the role of this variant in disease. Therefore, it has been classified as a Variant of Uncertain Significance.

NM_015335.5(MED13L):c.2824C>G (p.Gln942Glu)

Gene: MED13L (mediator complex subunit 13L; minus strand). Cytogenetic location: 12q24.21.
Variant type: single nucleotide variant.
Coding change: c.2824C>G on transcript NM_015335.5 (MANE Select); coding-DNA position 2824, C replaced by G.
Protein change: p.Gln942Glu; replaces glutamine 942 with glutamic acid.
Molecular consequence: missense variant.
Genome position (GRCh38, 1-based): chr12:115,996,648, G>C on the plus strand (C>G on the coding strand, the complement: MED13L is on the minus strand). VCF-style: chr12-115996648-G-C. GRCh37 (hg19) VCF-style: chr12-116434453-G-C.
Other names: short protein forms Q942E.
Identifiers: ClinVar variation 1800847 (VCV001800847.5), dbSNP rs1273935103, ClinGen allele CA386889884.